The following is an entry in ClinVar:

ClinVar aggregate classification (germline): Conflicting classifications of pathogenicity. Review status: criteria provided, conflicting classifications (1 of 4 stars). 2 submissions from 2 submitters: Uncertain significance (1); Likely benign (1). Last evaluated 2023-03-23.

Conditions:
Hereditary breast ovarian cancer syndrome. Also called: Hereditary breast and ovarian cancer; Hereditary breast and/or ovarian cancer syndrome; BRCA1- and BRCA2-Associated Hereditary Breast and Ovarian Cancer; Hereditary breast and ovarian cancer syndrome; Hereditary breast and ovarian cancer syndrome (HBOC); Breast and ovarian cancer. Identifiers: Orphanet 145, MedGen C0677776, MeSH D061325, MONDO:0003582. Disease mechanism: loss of function.
Hereditary cancer-predisposing syndrome. Also called: Tumor predisposition; Hereditary Cancer Syndrome; Hereditary neoplastic syndrome; Neoplastic Syndromes, Hereditary. Identifiers: Orphanet 140162, MedGen C0027672, MeSH D009386, MONDO:0015356.

Submissions (2):

University of Washington Department of Laboratory Medicine, University of Washington
Classification: Likely benign for Hereditary cancer-predisposing syndrome. Last evaluated: 2023-03-23. Review status: criteria provided, single submitter. Criteria: Dines et al. (Genet Med. 2020). Collection method: curation. Allele origin: germline.
Comment: Missense variant in a coldspot region where missense variants are very unlikely to be pathogenic (PMID:31911673).

BRCA2 exon 10 coldspot. Reclassification based on statistical prior probability.

Labcorp Genetics (formerly Invitae), Labcorp
Classification: Uncertain significance for Hereditary breast ovarian cancer syndrome. Last evaluated: 2016-04-04. Review status: criteria provided, single submitter. Criteria: Invitae Variant Classification Sherloc (09022015). Collection method: clinical testing. Allele origin: germline.
Comment: This sequence change replaces asparagine with serine at codon 361 of the BRCA2 protein (p.Asn361Ser). The asparagine residue is weakly conserved and there is a small physicochemical difference between asparagine and serine. This variant is not present in population databases (ExAC no frequency) and has not been reported in the literature in individuals with a BRCA2-related disease. Algorithms developed to predict the effect of missense changes on protein structure and function (SIFT, PolyPhen-2, Align-GVGD) all suggest that this variant is likely to be tolerated, but these predictions have not been confirmed by published functional studies. In summary, this variant is a novel missense change that is not predicted to affect protein function. There is no indication that it causes disease, but the available evidence is currently insufficient to prove that conclusively. Therefore, it has been classified as a Variant of Uncertain Significance.

NM_000059.4(BRCA2):c.1082A>G (p.Asn361Ser)

Gene: BRCA2 (BRCA2 DNA repair associated; plus strand). Cytogenetic location: 13q13.1.
Variant type: single nucleotide variant.
Coding change: c.1082A>G on transcript NM_000059.4 (MANE Select); coding-DNA position 1082, A replaced by G.
Protein change: p.Asn361Ser; replaces asparagine 361 with serine.
Molecular consequence: missense variant.
Genome position (GRCh38, 1-based): chr13:32,332,560, A>G. VCF-style: chr13-32332560-A-G. GRCh37 (hg19) VCF-style: chr13-32906697-A-G.
Other names: short protein forms N361S.
Identifiers: ClinVar variation 409604 (VCV000409604.10), dbSNP rs1060502495, ClinGen allele CA16613829.